The following is an entry in ClinVar:

NM_007294.4(BRCA1):c.5553C>A (p.Asp1851Glu)

Gene: BRCA1 (BRCA1 DNA repair associated; minus strand). Cytogenetic location: 17q21.31.
Variant type: single nucleotide variant.
Coding change: c.5553C>A on transcript NM_007294.4 (MANE Select); coding-DNA position 5553, C replaced by A.
Protein change: p.Asp1851Glu; replaces aspartic acid 1851 with glutamic acid.
Molecular consequence: missense variant. On other transcripts: 3 prime UTR variant (1), non-coding transcript variant (1).
Genome position (GRCh38, 1-based): chr17:43,045,717, G>T on the plus strand (C>A on the coding strand, the complement: BRCA1 is on the minus strand). VCF-style: chr17-43045717-G-T. GRCh37 (hg19) VCF-style: chr17-41197734-G-T.
Other names: c.2121C>A, p.Asp707Glu (NM_001408430.1, NM_001408425.1, NM_001408426.1 and 4 more transcripts); c.2118C>A, p.Asp706Glu (NM_001408440.1, NM_001408441.1, NM_001408442.1 and 10 more transcripts); c.2115C>A, p.Asp705Glu (NM_001408445.1, NM_001408446.1, NM_001408447.1 and 2 more transcripts); c.2100C>A, p.Asp700Glu (NM_001408460.1, NM_001408461.1, NM_001408462.1 and 7 more transcripts); c.2097C>A, p.Asp699Glu (NM_001408468.1, NM_001408469.1, NM_001408470.1); c.1977C>A, p.Asp659Glu (NM_001408503.1, NM_001408504.1, NM_001408502.1); c.1974C>A, p.Asp658Glu (NM_001408505.1); c.1917C>A, p.Asp639Glu (NM_001408506.1); and 74 more; short protein forms D1851E, D1872E, D747E, D1804E, D1682E, D1722E, D1724E, D1739E.
Identifiers: ClinVar variation 55624 (VCV000055624.9), dbSNP rs80357326, ClinGen allele CA003710.

ClinVar aggregate classification (germline): Uncertain significance. Review status: criteria provided, single submitter (1 of 4 stars). 2 submissions from 2 submitters: Uncertain significance (1). 1 of the submissions does not count toward it. Last evaluated 2019-02-15.

Conditions:
Hereditary cancer-predisposing syndrome. Also called: Hereditary Cancer Syndrome; Hereditary neoplastic syndrome; Neoplastic Syndromes, Hereditary; Tumor predisposition. Identifiers: Orphanet 140162, MedGen C0027672, MeSH D009386, MONDO:0015356.
Breast-ovarian cancer, familial, susceptibility to, 1 (BROVCA1). Also called: BRCA1 Hereditary Breast and Ovarian Cancer; OVARIAN CANCER, SUSCEPTIBILITY TO. Identifiers: Orphanet 145, MedGen C2676676, MONDO:0011450, OMIM 604370. Disease mechanism: loss of function.

Submissions (3):

Ambry Genetics
Classification: Uncertain significance for Hereditary cancer-predisposing syndrome. Last evaluated: 2019-02-15. Review status: criteria provided, single submitter. Criteria: Ambry Variant Classification Scheme 2023. Collection method: clinical testing. Allele origin: germline.
Comment: The p.D1851E variant (also known as c.5553C>A), located in coding exon 22 of the BRCA1 gene, results from a C to A substitution at nucleotide position 5553. The aspartic acid at codon 1851 is replaced by glutamic acid, an amino acid with highly similar properties. Functional studies have demonstrated that this alteration does not impact protein function (Findlay GM et al. Nature 2018 10;562(7726):217-222; Lee MS et al. Cancer Res. 2010 Jun;70(12):4880-90; Karchin R et al. PLoS Comput. Biol. 2007 Feb;3(2):e26). In addition, the in silico prediction for this alteration is inconclusive. Since supporting evidence is limited at this time, the clinical significance of this alteration remains unclear.

Breast Cancer Information Core (BIC) (BRCA1)
Classification: Uncertain significance for Breast-ovarian cancer, familial 1. Last evaluated: 2003-12-23. Review status: no assertion criteria provided. Collection method: clinical testing. Allele origin: germline. Affected: yes. Observed: 1 variant allele. Not counted in ClinVar's aggregate classification.

Brotman Baty Institute, University of Washington
No classification provided (evidence only). Condition: Breast-ovarian cancer, familial 1. Review status: no classification provided. Collection method: in vitro. Allele origin: not applicable. Functional consequence: functionally_normal. Not counted in ClinVar's aggregate classification.
ClinVar note: "not provided" was previously submitted as the classification for the variant. However, the classification appeared to be based only on an observation of functional data so it was converted to no classification on 2025-07-30.